The following is an entry in ClinVar:

NM_019594.4(LRRC8A):c.2402G>A (p.Arg801Gln)

Gene: LRRC8A (leucine rich repeat containing 8 VRAC subunit A; plus strand). Cytogenetic location: 9q34.11.
Variant type: single nucleotide variant.
Coding change: c.2402G>A on transcript NM_019594.4 (MANE Select); coding-DNA position 2402, G replaced by A.
Protein change: p.Arg801Gln; replaces arginine 801 with glutamine.
Molecular consequence: missense variant.
Genome position (GRCh38, 1-based): chr9:128,916,340, G>A. VCF-style: chr9-128916340-G-A. GRCh37 (hg19) VCF-style: chr9-131678619-G-A.
Other names: c.2402G>A (NM_001127244.1); c.2402G>A, p.Arg801Gln (NM_001127244.2, NM_001127245.2); short protein forms R801Q.
Identifiers: ClinVar variation 1163510 (VCV001163510.12), dbSNP rs374629783, ClinGen allele CA5271086.

ClinVar aggregate classification (germline): Uncertain significance. Review status: criteria provided, multiple submitters, no conflicts (2 of 4 stars). 3 submissions from 3 submitters: Uncertain significance (3). Last evaluated 2025-12-23.

Allele frequency attached by ClinVar (database versions not stated): gnomAD exomes 0.00002 and 0.00006; ExAC 0.00007; gnomAD 0.00008 and 0.00009; TOPMed 0.00008; 1000 Genomes Project 30x 0.00016; 1000 Genomes Project 0.00020.
gnomAD v4.1: 56 of 1,611,728 alleles (0.0035%); highest among the groups gnomAD compares: East Asian, 0.022%; no homozygotes.

Submissions (3):

Labcorp Genetics (formerly Invitae), Labcorp
Classification: Uncertain significance. Last evaluated: 2025-12-23. Review status: criteria provided, single submitter. Criteria: Invitae Variant Classification Sherloc (09022015). Collection method: clinical testing. Allele origin: germline.
Comment: This sequence change replaces arginine, which is basic and polar, with glutamine, which is neutral and polar, at codon 801 of the LRRC8A protein (p.Arg801Gln). This variant is present in population databases (rs374629783, gnomAD 0.04%). This variant has not been reported in the literature in individuals affected with LRRC8A-related conditions. ClinVar contains an entry for this variant (Variation ID: 1163510). An algorithm developed to predict the effect of missense changes on protein structure and function (PolyPhen-2) suggests that this variant is likely to be tolerated. In summary, the available evidence is currently insufficient to determine the role of this variant in disease. Therefore, it has been classified as a Variant of Uncertain Significance.

Ambry Genetics
Classification: Uncertain significance. Last evaluated: 2025-03-27. Review status: criteria provided, single submitter. Criteria: Ambry Variant Classification Scheme 2023. Collection method: clinical testing. Allele origin: germline.

Mayo Clinic Laboratories, Mayo Clinic
Classification: Uncertain significance. Last evaluated: 2019-09-16. Review status: criteria provided, single submitter. Criteria: ACMG Guidelines, 2015. Collection method: clinical testing. Allele origin: germline. Observed: 1 variant allele.